The following is an entry in ClinVar:

NM_001042492.3(NF1):c.7184del (p.Leu2394_Leu2395insTer)

Gene: NF1 (neurofibromin 1; plus strand). Cytogenetic location: 17q11.2.
Variant type: Deletion.
Coding change: c.7184del on transcript NM_001042492.3 (MANE Select); coding-DNA position 7184, one base deleted (T; older notation c.7184delT).
Protein change: p.Leu2394_Leu2395insTer.
Molecular consequence: nonsense. On other transcripts: frameshift variant (1).
Genome position (GRCh38, 1-based): chr17:31,343,130, T deleted; the last of 4 consecutive T bases (chr17:31,343,127-31,343,130); deleting any one gives the same sequence. VCF-style (leftmost placement, unchanged base first): chr17-31343126-CT-C. GRCh37 (hg19) VCF-style: chr17-29670144-CT-C.
Other names: c.7121delT (NM_000267.3); c.7121delT, p.Leu2374Terfs (NM_000267.4).
Identifiers: ClinVar variation 1376674 (VCV001376674.8), dbSNP rs2069870374, ClinGen allele CA499236861.

ClinVar aggregate classification (germline): Pathogenic. Review status: criteria provided, multiple submitters, no conflicts (2 of 4 stars). 4 submissions from 4 submitters: Pathogenic (4). Last evaluated 2026-06-18.

Conditions:
Hereditary cancer-predisposing syndrome. Also called: Hereditary Cancer Syndrome; Neoplastic Syndromes, Hereditary; Hereditary neoplastic syndrome; Tumor predisposition. Identifiers: Orphanet 140162, MedGen C0027672, MeSH D009386, MONDO:0015356.
Cardiovascular phenotype. Identifiers: MedGen CN230736.
Neurofibromatosis, type 1 (NF1). Also called: Peripheral type neurofibromatosis; VON RECKLINGHAUSEN DISEASE; NEUROFIBROMATOSIS, TYPE I, SOMATIC; Neurofibromatosis, type I. Identifiers: Orphanet 636, MedGen C0027831, MONDO:0018975, OMIM 162200. Disease mechanism: loss of function.

Submissions (4):

Ambry Genetics
Classification: Pathogenic for Cardiovascular phenotype; Hereditary cancer-predisposing syndrome. Last evaluated: 2026-06-18. Review status: criteria provided, single submitter. Criteria: Ambry Variant Classification Scheme 2023. Collection method: clinical testing. Allele origin: germline.
Comment: The c.7121delT pathogenic mutation, located in coding exon 47 of the NF1 gene, results from a deletion of one nucleotide at nucleotide position 7121, causing a translational frameshift with a predicted alternate stop codon (p.L2374*). This variant was reported in individual(s) with features consistent with neurofibromatosis type 1 (Ambry internal data). This variant is considered to be rare based on population cohorts in the Genome Aggregation Database (gnomAD). This alteration is expected to result in loss of function by premature protein truncation or nonsense-mediated mRNA decay. As such, this alteration is interpreted as a disease-causing mutation.

Labcorp Genetics (formerly Invitae), Labcorp
Classification: Pathogenic for Neurofibromatosis, type 1. Last evaluated: 2025-06-05. Review status: criteria provided, single submitter. Criteria: Invitae Variant Classification Sherloc (09022015). Collection method: clinical testing. Allele origin: germline.
Comment: This sequence change creates a premature translational stop signal (p.Leu2374*) in the NF1 gene. It is expected to result in an absent or disrupted protein product. Loss-of-function variants in NF1 are known to be pathogenic (PMID: 10712197, 23913538). This variant is not present in population databases (gnomAD no frequency). This variant has not been reported in the literature in individuals affected with NF1-related conditions. ClinVar contains an entry for this variant (Variation ID: 1376674). For these reasons, this variant has been classified as Pathogenic.

GeneDx
Classification: Pathogenic. Last evaluated: 2024-12-29. Review status: criteria provided, single submitter. Criteria: GeneDx Variant Classification Process June 2021. Collection method: clinical testing. Allele origin: germline. Affected: yes.
Comment: Nonsense variant predicted to result in protein truncation or nonsense mediated decay in a gene for which loss of function is a known mechanism of disease; Not observed at significant frequency in large population cohorts (gnomAD); This variant is associated with the following publications: (PMID: 23656349)

Athena Diagnostics
Classification: Pathogenic. Last evaluated: 2022-10-21. Review status: criteria provided, single submitter. Criteria: Athena Diagnostics Criteria. Collection method: clinical testing. Allele origin: unknown.
Comment: This variant is expected to result in the loss of a functional protein. This variant has been identified in at least one individual with clinical features of NF1. This variant has not been reported in large, multi-ethnic general populations.

Literature cited by the submitters: PubMed 10712197 (cited by Labcorp Genetics (formerly Invitae), Labcorp); PubMed 23913538 (cited by Labcorp Genetics (formerly Invitae), Labcorp); PubMed 23656349 (cited by Athena Diagnostics).